The following is an entry in ClinVar:

NM_183357.3(ADCY5):c.1406+70_1406+71insTTCT

Gene: ADCY5 (adenylate cyclase 5; minus strand). Cytogenetic location: 3q21.1.
Variant type: Insertion.
Coding change: c.1406+70_1406+71insTTCT on transcript NM_183357.3 (MANE Select); bases 70 to 71 of the intron after coding-DNA position 1406, TTCT inserted.
Molecular consequence: intron variant.
Genome position: GRCh38 VCF-style: chr3-123347711-G-GGAAA. GRCh37 (hg19) VCF-style: chr3-123066558-G-GGAAA.
Other names: c.1406+70_1406+71insTTCT (NM_001378259.1); c.356+70_356+71insTTCT (NM_001199642.1).
Identifiers: ClinVar variation 3256816 (VCV003256816.2).

ClinVar aggregate classification (germline): Benign (1 of 4 stars; one submission).

Submission:

Unidad de Genómica Garrahan, Hospital de Pediatría Garrahan
Classification: Benign. Last evaluated: 2024-07-31. Review status: criteria provided, single submitter. Criteria: ACMG Guidelines, 2015. Collection method: clinical testing. Allele origin: germline. Affected: no. Observed: 29 variant alleles.
Comment: This variant is classified as Benign based on local population frequency. This variant was detected in 31% of patients studied in a panel designed for Epileptic and Developmental Encephalopathy, Progressive Myoclonus Epilepsy and Abnormal Movements and Neurodegeneration with brain iron accumulation. Number of patients: 29. Only high quality variants are reported.